The following is an entry in ClinVar:

NM_000693.4(ALDH1A3):c.1386G>A (p.Thr462=)

Genes: ALDH1A3 (aldehyde dehydrogenase 1 family member A3; plus strand), ALDH1A3-AS1 (ALDH1A3 antisense RNA 1; minus strand). Cytogenetic location: 15q26.3.
Variant type: single nucleotide variant.
Coding change: c.1386G>A on transcript NM_000693.4 (MANE Select); coding-DNA position 1386, G replaced by A.
Protein change: p.Thr462=; no amino-acid change (threonine 462 retained).
Molecular consequence: synonymous variant.
Genome position (GRCh38, 1-based): chr15:100,907,273, G>A. VCF-style: chr15-100907273-G-A. GRCh37 (hg19) VCF-style: chr15-101447478-G-A.
Other names: c.1065G>A, p.Thr355= (NM_001293815.2).
Identifiers: ClinVar variation 770096 (VCV000770096.33), dbSNP rs140128387, ClinGen allele CA7760364.

ClinVar aggregate classification (germline): Likely benign. Review status: criteria provided, multiple submitters, no conflicts (2 of 4 stars). 3 submissions from 3 submitters: Likely benign (3). Last evaluated 2024-10-29.

Conditions:
Isolated microphthalmia 8. Identifiers: Orphanet 2542, MedGen C3554524, MONDO:0014050, OMIM 615113.

Allele frequency attached by ClinVar (database versions not stated): 1000 Genomes Project 30x 0.00016; 1000 Genomes Project 0.00020; gnomAD 0.00035; TOPMed 0.00038; ESP Exome Variant Server 0.00062.
gnomAD v4.1: 721 of 1,613,424 alleles (0.045%); highest among the groups gnomAD compares: Middle Eastern, 0.26%; no homozygotes.

Submissions (3):

Labcorp Genetics (formerly Invitae), Labcorp
Classification: Likely benign for Isolated microphthalmia 8. Last evaluated: 2024-10-29. Review status: criteria provided, single submitter. Criteria: Invitae Variant Classification Sherloc (09022015). Collection method: clinical testing. Allele origin: germline.

CeGaT Center for Human Genetics Tuebingen
Classification: Likely benign. Last evaluated: 2022-12-01. Review status: criteria provided, single submitter. Criteria: CeGaT Center For Human Genetics Tuebingen Variant Classification Criteria Version 2. Collection method: clinical testing. Allele origin: germline. Affected: yes. Observed: 1 variant allele.
Comment: ALDH1A3: BP4, BP7

Breakthrough Genomics
Classification: Likely benign. Review status: criteria provided, single submitter. Criteria: ACMG Guidelines, 2015. Collection method: not provided. Allele origin: germline. Inheritance: Autosomal recessive inheritance. Affected: yes.